The following is an entry in ClinVar:

ClinVar aggregate classification (germline): Uncertain significance (1 of 4 stars; one submission).

Conditions:
Metachromatic leukodystrophy (MLD). Also called: Cerebral sclerosis diffuse metachromatic form; Arylsulfatase A Deficiency; METACHROMATIC LEUKOENCEPHALOPATHY; SULFATIDE LIPIDOSIS; ARSA DEFICIENCY; CEREBROSIDE SULFATASE DEFICIENCY. Identifiers: Orphanet 512, MedGen C0023522, MONDO:0018868, OMIM 250100.

Allele frequency attached by ClinVar (database versions not stated): gnomAD exomes below 0.00001; TOPMed below 0.00001.
gnomAD v4.1: 1 of 1,608,364 alleles (0.000062%); highest among the groups gnomAD compares: Admixed American, 0.0017%; no homozygotes.

Submission:

Labcorp Genetics (formerly Invitae), Labcorp
Classification: Uncertain significance for Metachromatic leukodystrophy. Last evaluated: 2024-10-22. Review status: criteria provided, single submitter. Criteria: Invitae Variant Classification Sherloc (09022015). Collection method: clinical testing. Allele origin: germline.
Comment: This sequence change falls in intron 1 of the ARSA gene. It does not directly change the encoded amino acid sequence of the ARSA protein. This variant is present in population databases (no rsID available, gnomAD 0.003%). This variant has not been reported in the literature in individuals affected with ARSA-related conditions. ClinVar contains an entry for this variant (Variation ID: 1932183). Algorithms developed to predict the effect of sequence changes on RNA splicing suggest that this variant may create or strengthen a splice site. In summary, the available evidence is currently insufficient to determine the role of this variant in disease. Therefore, it has been classified as a Variant of Uncertain Significance.

NM_000487.6(ARSA):c.225-15T>C

Gene: ARSA (arylsulfatase A; minus strand). Cytogenetic location: 22q13.33.
Variant type: single nucleotide variant.
Coding change: c.225-15T>C on transcript NM_000487.6 (MANE Select); 15 bases into the intron before coding-DNA position 225, T replaced by C.
Molecular consequence: intron variant.
Genome position (GRCh38, 1-based): chr22:50,627,421, A>G on the plus strand (T>C on the coding strand, the complement: ARSA is on the minus strand). VCF-style: chr22-50627421-A-G. GRCh37 (hg19) VCF-style: chr22-51065849-A-G.
Other names: c.-34-15T>C (NM_001362782.2, NM_001085428.3); c.225-15T>C (NM_001085427.3, NM_001085426.3, NM_001085425.3).
Identifiers: ClinVar variation 1932183 (VCV001932183.3), dbSNP rs1331887714, ClinGen allele CA640358612.